The following is an entry in ClinVar:

NM_007294.4(BRCA1):c.5353_5354dup (p.Gln1785fs)

Gene: BRCA1 (BRCA1 DNA repair associated; minus strand). Cytogenetic location: 17q21.31.
Variant type: Duplication.
Coding change: c.5353_5354dup on transcript NM_007294.4 (MANE Select); coding-DNA positions 5353 to 5354, 2 bases duplicated (CA; older notation c.5353_5354dupCA).
Protein change: p.Gln1785fs; shifts the reading frame from glutamine 1785.
Molecular consequence: frameshift variant. On other transcripts: non-coding transcript variant (1), intron variant (1).
Genome position (GRCh38, 1-based): chr17:43,049,173-43,049,174, TG duplicated on the plus strand (CA on the coding strand, the reverse complement: BRCA1 is on the minus strand); duplicating any 2 consecutive bases within chr17:43,049,173-43,049,175 gives the same sequence; the c. name uses the placement nearest the transcript's 3' end. VCF-style (leftmost placement, unchanged base first): chr17-43049172-C-CTG. GRCh37 (hg19) VCF-style: chr17-41201189-C-CTG.
Other names: 5472dupCA; c.5353_5354dup, p.Gln1785fs (NM_007294.3); c.5353_5354dupCA (NM_007294.3); c.5211_5212dup, p.Gln1738Hisfs (NM_001407724.1, NM_001407725.1, NM_001407726.1 and 11 more transcripts); c.5208_5209dup, p.Gln1737Hisfs (NM_001407732.1, NM_001407733.1, NM_001407734.1 and 18 more transcripts); c.5205_5206dup, p.Gln1736Hisfs (NM_001407838.1, NM_001407839.1, NM_001407841.1 and 12 more transcripts); c.5151_5152dup, p.Gln1718Hisfs (NM_001407862.1); c.5148_5149dup, p.Gln1717Hisfs (NM_001407863.1); and 78 more; short protein forms Q1806fs, Q1738fs, Q1785fs, Q681fs.
Identifiers: ClinVar variation 266549 (VCV000266549.11), dbSNP rs886040293, ClinGen allele CA10589595.
Genomic context (GRCh38, chr17:43,049,172, plus strand): 5'-AATACTTACTGTGCCAAGGGTGAATGATGAAAGCTCCTTCACCACAGAAGCACCACACAG[C>CTG]TGTACCATCCATTCCAGTTGATCTAAAATGGACATTTAGATGTAAAATCACTGCAGTAAT-3'

ClinVar aggregate classification (germline): Pathogenic. Review status: reviewed by expert panel (3 of 4 stars). 3 submissions from 3 submitters: Pathogenic (1). 2 of the submissions do not count toward it. Last evaluated 2016-10-18.

Conditions:
Hereditary cancer-predisposing syndrome. Also called: Hereditary Cancer Syndrome; Neoplastic Syndromes, Hereditary; Hereditary neoplastic syndrome; Tumor predisposition. Identifiers: Orphanet 140162, MedGen C0027672, MeSH D009386, MONDO:0015356.
Breast-ovarian cancer, familial, susceptibility to, 1 (BROVCA1). Also called: BRCA1 Hereditary Breast and Ovarian Cancer; OVARIAN CANCER, SUSCEPTIBILITY TO. Identifiers: Orphanet 145, MedGen C2676676, MONDO:0011450, OMIM 604370. Disease mechanism: loss of function.

Submissions (3):

Evidence-based Network for the Interpretation of Germline Mutant Alleles (ENIGMA)
Classification: Pathogenic for Breast-ovarian cancer, familial, susceptibility to, 1. Last evaluated: 2016-10-18. Review status: reviewed by expert panel. Criteria: ENIGMA BRCA1/2 Classification Criteria (2015). Collection method: curation. Allele origin: germline.
Comment: Variant allele predicted to encode a truncated non-functional protein.

Ambry Genetics
Classification: Pathogenic for Hereditary cancer-predisposing syndrome. Last evaluated: 2023-03-17. Review status: criteria provided, single submitter. Criteria: Ambry Variant Classification Scheme 2023. Collection method: clinical testing. Allele origin: germline. Not counted in ClinVar's aggregate classification.
Comment: The c.5353_5354dupCA pathogenic mutation, located in coding exon 20 of the BRCA1 gene, results from a duplication of CA at nucleotide position 5353, causing a translational frameshift with a predicted alternate stop codon (p.Q1785Hfs*9). This alteration was identified in a large, worldwide study of BRCA1/2 mutation positive families (Rebbeck TR et al. Hum. Mutat. 2018 05;39:593-620). This alteration is expected to result in loss of function by premature protein truncation or nonsense-mediated mRNA decay. As such, this alteration is interpreted as a disease-causing mutation.

Consortium of Investigators of Modifiers of BRCA1/2 (CIMBA), c/o University of Cambridge
Classification: Pathogenic for Breast-ovarian cancer, familial, susceptibility to, 1. Last evaluated: 2015-10-02. Review status: criteria provided, single submitter. Criteria: CIMBA Mutation Classification guidelines May 2016. Collection method: clinical testing. Allele origin: germline. Not counted in ClinVar's aggregate classification.

Literature cited by the submitters: PubMed 29446198 (cited by Ambry Genetics).